The following is an entry in ClinVar:

ClinVar aggregate classification (germline): Uncertain significance (1 of 4 stars; one submission).

gnomAD v4.1: 3 of 1,613,692 alleles (0.00019%); highest among the groups gnomAD compares: East Asian, 0.0022%; no homozygotes.

Submission:

GeneDx
Classification: Uncertain significance. Last evaluated: 2024-02-04. Review status: criteria provided, single submitter. Criteria: GeneDx Variant Classification Process June 2021. Collection method: clinical testing. Allele origin: germline. Affected: yes.
Comment: In silico analysis supports that this missense variant has a deleterious effect on protein structure/function; Has not been previously published as pathogenic or benign to our knowledge; Variants in candidate genes are classified as variants of uncertain significance in accordance with ACMG guidelines (PMID: 25741868)

NM_004947.5(DOCK3):c.4867C>T (p.Arg1623Trp)

Gene: DOCK3 (dedicator of cytokinesis 3; plus strand). Cytogenetic location: 3p21.2.
Variant type: single nucleotide variant.
Coding change: c.4867C>T on transcript NM_004947.5 (MANE Select); coding-DNA position 4867, C replaced by T.
Protein change: p.Arg1623Trp; replaces arginine 1623 with tryptophan.
Molecular consequence: missense variant.
Genome position (GRCh38, 1-based): chr3:51,358,060, C>T. VCF-style: chr3-51358060-C-T. GRCh37 (hg19) VCF-style: chr3-51395491-C-T.
Other names: short protein forms R1623W.
Identifiers: ClinVar variation 4529728 (VCV004529728.1).